The following is an entry in ClinVar:

ClinVar aggregate classification (germline): Uncertain significance. Review status: criteria provided, multiple submitters, no conflicts (2 of 4 stars). 3 submissions from 3 submitters: Uncertain significance (3). Last evaluated 2025-02-23.

Conditions:
Pulmonary hypertension, primary, 5. Also called: Pulmonary hypertension, primary, autosomal recessive. Identifiers: Orphanet 422, MedGen C5676877, MONDO:0009935, OMIM 265400.

Allele frequency attached by ClinVar (database versions not stated): ExAC 0.00003; TOPMed 0.00005; gnomAD 0.00006; ESP Exome Variant Server 0.00008; gnomAD exomes 0.00021.
gnomAD v4.1: 314 of 1,613,860 alleles (0.019%); highest among the groups gnomAD compares: Non-Finnish European, 0.026%; no homozygotes.

Submissions (3):

Ambry Genetics
Classification: Uncertain significance. Last evaluated: 2025-02-23. Review status: criteria provided, single submitter. Criteria: Ambry Variant Classification Scheme 2023. Collection method: clinical testing. Allele origin: germline.

Labcorp Genetics (formerly Invitae), Labcorp
Classification: Uncertain significance. Last evaluated: 2024-09-23. Review status: criteria provided, single submitter. Criteria: Invitae Variant Classification Sherloc (09022015). Collection method: clinical testing. Allele origin: germline.
Comment: This sequence change replaces glutamine, which is neutral and polar, with arginine, which is basic and polar, at codon 723 of the ATP13A3 protein (p.Gln723Arg). This variant is present in population databases (rs376083047, gnomAD 0.01%). This variant has not been reported in the literature in individuals affected with ATP13A3-related conditions. ClinVar contains an entry for this variant (Variation ID: 2352566). An algorithm developed to predict the effect of missense changes on protein structure and function (PolyPhen-2) suggests that this variant is likely to be disruptive. In summary, the available evidence is currently insufficient to determine the role of this variant in disease. Therefore, it has been classified as a Variant of Uncertain Significance.

Clinical Genomics Laboratory, Washington University in St. Louis
Classification: Uncertain significance for Pulmonary hypertension, primary, 5. Last evaluated: 2024-05-27. Review status: criteria provided, single submitter. Criteria: ACMG Guidelines, 2015. Collection method: clinical testing. Allele origin: germline.
Comment: The ATP13A3 c.2168A>G (p.Gln723Arg) variant, to our knowledge, has not been reported in the medical literature. This variant has been reported in the ClinVar database as a variant of uncertain significance by two submitters. This variant is only observed on 16 of 280,896 alleles in the general population (gnomAD v.2.1.1), indicating it is not a common variant. Computational predictors are uncertain as to the impact of this variant on ATP13A3 function. Due to limited information and based on ACMG/AMP guidelines for variant interpretation (Richards S et al., PMID: 25741868), the clinical significance of this variant is uncertain at this time.

NM_001367549.1(ATP13A3):c.2168A>G (p.Gln723Arg)

Gene: ATP13A3 (ATPase 13A3; minus strand). Cytogenetic location: 3q29.
Variant type: single nucleotide variant.
Coding change: c.2168A>G on transcript NM_001367549.1 (MANE Select); coding-DNA position 2168, A replaced by G.
Protein change: p.Gln723Arg; replaces glutamine 723 with arginine.
Molecular consequence: missense variant. On other transcripts: non-coding transcript variant (2).
Genome position (GRCh38, 1-based): chr3:194,433,849, T>C on the plus strand (A>G on the coding strand, the complement: ATP13A3 is on the minus strand). VCF-style: chr3-194433849-T-C. GRCh37 (hg19) VCF-style: chr3-194154578-T-C.
Other names: c.2087A>G, p.Gln696Arg (NM_001374836.1); c.2168A>G, p.Gln723Arg (NM_024524.4); short protein forms Q696R, Q723R.
Identifiers: ClinVar variation 2352566 (VCV002352566.7), dbSNP rs376083047, ClinGen allele CA2761739.
Genomic context (GRCh38, chr3:194,433,849, plus strand): 5'-CGAATGTTGGCTTTATGCAAATCTTCAAGTACTGCAGGGGTTTCTTGCTTTAATTTGTTC[T>C]GCATTATAATTAATCCCATAAAATCCATGTTGTTCTCAATTGCATCTCTGCAGAAAAAGA-3'
Protein context (NP_001354478.1, residues 713-733): NMDFMGLIIM[Gln723Arg]NKLKQETPAV